The following is an entry in ClinVar:

ClinVar aggregate classification (germline): Uncertain significance (1 of 4 stars; one submission).

Conditions:
Cardiovascular phenotype. Identifiers: MedGen CN230736.

Allele frequency attached by ClinVar (database versions not stated): gnomAD exomes below 0.00001.
gnomAD v4.1: 1 of 1,207,631 alleles (0.000083%); highest among the groups gnomAD compares: African/African-American, 0.0017%; no homozygotes.

Submission:

Ambry Genetics
Classification: Uncertain significance for Cardiovascular phenotype. Last evaluated: 2020-09-29. Review status: criteria provided, single submitter. Criteria: Ambry Variant Classification Scheme 2023. Collection method: clinical testing. Allele origin: germline.
Comment: The p.E2746G variant (also known as c.8237A>G), located in coding exon 56 of the DMD gene, results from an A to G substitution at nucleotide position 8237. The glutamic acid at codon 2746 is replaced by glycine, an amino acid with similar properties. This amino acid position is well conserved in available vertebrate species. In addition, this alteration is predicted to be tolerated by in silico analysis. Since supporting evidence is limited at this time, the clinical significance of this alteration remains unclear.

NM_004006.3(DMD):c.8237A>G (p.Glu2746Gly)

Gene: DMD (dystrophin; minus strand). Cytogenetic location: Xp21.1.
Variant type: single nucleotide variant.
Coding change: c.8237A>G on transcript NM_004006.3 (MANE Select); coding-DNA position 8237, A replaced by G.
Protein change: p.Glu2746Gly; replaces glutamic acid 2746 with glycine.
Molecular consequence: missense variant.
Genome position (GRCh38, 1-based): chrX:31,507,434, T>C on the plus strand (A>G on the coding strand, the complement: DMD is on the minus strand). VCF-style: chrX-31507434-T-C. GRCh37 (hg19) VCF-style: chrX-31525551-T-C.
Other names: c.8213A>G, p.Glu2738Gly (NM_000109.4); c.8225A>G, p.Glu2742Gly (NM_004009.3); c.7868A>G, p.Glu2623Gly (NM_004010.3); c.4214A>G, p.Glu1405Gly (NM_004011.4); c.4205A>G, p.Glu1402Gly (NM_004012.4); c.857A>G, p.Glu286Gly (NM_004013.3, NM_004020.4, NM_004021.3 and 2 more transcripts); c.50A>G, p.Glu17Gly (NM_004014.3); short protein forms E2623G, E2742G, E1402G, E2746G, E1405G, E17G, E2738G, E286G.
Identifiers: ClinVar variation 1762569 (VCV001762569.2), dbSNP rs2525976126, ClinGen allele CA412656408.